The following is an entry in ClinVar:

ClinVar aggregate classification (germline): Uncertain significance. Review status: criteria provided, single submitter (1 of 4 stars). 2 submissions from 2 submitters: Uncertain significance (1). 1 of the submissions does not count toward it. Last evaluated 2024-10-11.

Allele frequency attached by ClinVar (database versions not stated): gnomAD 0.00001; TOPMed 0.00001.
gnomAD v4.1: 23 of 1,614,180 alleles (0.0014%); highest among the groups gnomAD compares: Middle Eastern, 0.066%; no homozygotes.

Submissions (2):

Blueprint Genetics
Classification: Uncertain significance. Last evaluated: 2024-10-11. Review status: criteria provided, single submitter. Criteria: ACMG Guidelines, 2015. Collection method: clinical testing. Allele origin: germline.

Department of Pathology and Laboratory Medicine, Sinai Health System
Classification: Uncertain significance. Review status: no assertion criteria provided. Collection method: clinical testing. Allele origin: unknown. Affected: yes. Study: The Canadian Open Genetics Repository (COGR). Not counted in ClinVar's aggregate classification.
Comment: The ETFB p.Ala24Glu variant was not identified in the literature nor was it identified in ClinVar or LOVD 3.0. The variant was identified in dbSNP (ID: rs769799163) and in control databases in 5 of 248936 chromosomes at a frequency of 0.00002009 (Genome Aggregation Database March 6, 2019, v2.1.1). The variant was observed in the following populations: Latino in 2 of 34590 chromosomes (freq: 0.000058) and European (non-Finnish) in 3 of 111276 chromosomes (freq: 0.000027), but was not observed in the African, Ashkenazi Jewish, East Asian, European (Finnish), Other, or South Asian populations. The p.Ala24 residue is not conserved in mammals and computational analyses (PolyPhen-2, SIFT, AlignGVGD, BLOSUM, MutationTaster) do not suggest a high likelihood of impact to the protein; however, this information is not predictive enough to rule out pathogenicity. The variant occurs outside of the splicing consensus sequence and in silico or computational prediction software programs (SpliceSiteFinder, MaxEntScan, NNSPLICE, GeneSplicer) do not predict a difference in splicing. In summary, based on the above information the clinical significance of this variant cannot be determined with certainty at this time. This variant is classified as a variant of uncertain significance.

NM_001985.3(ETFB):c.58-260C>A

Gene: ETFB (electron transfer flavoprotein subunit beta; minus strand). Cytogenetic location: 19q13.41.
Variant type: single nucleotide variant.
Coding change: c.58-260C>A on transcript NM_001985.3 (MANE Select); 260 bases into the intron before coding-DNA position 58, C replaced by A.
Molecular consequence: intron variant. On other transcripts: missense variant (1).
Genome position (GRCh38, 1-based): chr19:51,354,568, G>T on the plus strand (C>A on the coding strand, the complement: ETFB is on the minus strand). VCF-style: chr19-51354568-G-T. GRCh37 (hg19) VCF-style: chr19-51857822-G-T.
Other names: c.71C>A, p.Ala24Glu (NM_001014763.1); short protein forms A24E.
Identifiers: ClinVar variation 1050560 (VCV001050560.2), dbSNP rs769799163, ClinGen allele CA9610919.